The following is an entry in ClinVar:

ClinVar aggregate classification (germline): Pathogenic (1 of 4 stars; one submission).

Conditions:
LAMB2-related infantile-onset nephrotic syndrome. Also called: Nephrotic Syndrome, type 5; NEPHROTIC SYNDROME, TYPE 5, WITHOUT OCULAR ABNORMALITIES; NEPHROTIC SYNDROME, TYPE 5, WITH OCULAR ABNORMALITIES. Identifiers: Orphanet 306507, MedGen C3280113, MONDO:0013621, OMIM 614199.
Pierson syndrome. Also called: MICROCORIA-CONGENITAL NEPHROTIC SYNDROME. Identifiers: Orphanet 2670, MedGen C1836876, MONDO:0012184, OMIM 609049.

Submission:

Labcorp Genetics (formerly Invitae), Labcorp
Classification: Pathogenic for LAMB2-related infantile-onset nephrotic syndrome; Pierson syndrome. Last evaluated: 2024-02-07. Review status: criteria provided, single submitter. Criteria: Invitae Variant Classification Sherloc (09022015). Collection method: clinical testing. Allele origin: germline.
Comment: This sequence change creates a premature translational stop signal (p.Asn1294Lysfs*7) in the LAMB2 gene. It is expected to result in an absent or disrupted protein product. Loss-of-function variants in LAMB2 are known to be pathogenic (PMID: 15367484). This variant is not present in population databases (gnomAD no frequency). This variant has not been reported in the literature in individuals affected with LAMB2-related conditions. ClinVar contains an entry for this variant (Variation ID: 1377324). For these reasons, this variant has been classified as Pathogenic.

Literature cited by the submitters: PubMed 15367484.

NM_002292.4(LAMB2):c.3882_3892del (p.Asn1294fs)

Gene: LAMB2 (laminin subunit beta 2; minus strand). Cytogenetic location: 3p21.31.
Variant type: Deletion.
Coding change: c.3882_3892del on transcript NM_002292.4 (MANE Select); coding-DNA positions 3882 to 3892, 11 bases deleted (CCATGCACTAA).
Protein change: p.Asn1294fs; shifts the reading frame from asparagine 1294.
Molecular consequence: frameshift variant.
Genome position (GRCh38, 1-based): chr3:49,123,537-49,123,547, TTAGTGCATGG deleted on the plus strand (CCATGCACTAA on the coding strand, the reverse complement: LAMB2 is on the minus strand); deleting any 11 consecutive bases within chr3:49,123,537-49,123,549 gives the same sequence; the c. name uses the placement nearest the transcript's 3' end. VCF-style (leftmost placement, unchanged base first): chr3-49123536-CTTAGTGCATGG-C. GRCh37 (hg19) VCF-style: chr3-49160969-CTTAGTGCATGG-C.
Other names: short protein forms N1294fs.
Identifiers: ClinVar variation 1377324 (VCV001377324.6), dbSNP rs2045374891, ClinGen allele CA1047735467.